The following is an entry in ClinVar:

NM_006087.4(TUBB4A):c.558G>A (p.Thr186=)

Gene: TUBB4A (tubulin beta 4A class IVa; minus strand). Cytogenetic location: 19p13.3.
Variant type: single nucleotide variant.
Coding change: c.558G>A on transcript NM_006087.4 (MANE Select); coding-DNA position 558, G replaced by A.
Protein change: p.Thr186=; no amino-acid change (threonine 186 retained).
Molecular consequence: synonymous variant.
Genome position (GRCh38, 1-based): chr19:6,495,941, C>T on the plus strand (G>A on the coding strand, the complement: TUBB4A is on the minus strand). VCF-style: chr19-6495941-C-T. GRCh37 (hg19) VCF-style: chr19-6495952-C-T.
Other names: c.711G>A, p.Thr237= (NM_001289123.2); c.693G>A, p.Thr231= (NM_001289127.2); c.558G>A, p.Thr186= (NM_001289129.2); c.342G>A, p.Thr114= (NM_001289130.2, NM_001289131.2).
Identifiers: ClinVar variation 506684 (VCV000506684.5), dbSNP rs750042422, ClinGen allele CA9127352.

ClinVar aggregate classification (germline): Likely benign. Review status: criteria provided, multiple submitters, no conflicts (2 of 4 stars). 2 submissions from 2 submitters: Likely benign (2). Last evaluated 2025-03-29.

Conditions:
Leukodystrophy, hypomyelinating, 6. Also called: TUBB4A-Associated Leukodystrophy; Hypomyelination with Atrophy of Basal Ganglia and Cerebellum (H-ABC); LEUKODYSTROPHY, HYPOMYELINATING, WITH ATROPHY OF THE BASAL GANGLIA AND CEREBELLUM. Identifiers: Orphanet 139441, MedGen C2676244, MONDO:0012905, OMIM 612438.

Allele frequency attached by ClinVar (database versions not stated): gnomAD exomes 0.00002 and 0.00003; TOPMed 0.00003; ExAC 0.00002.
gnomAD v4.1: 33 of 1,614,060 alleles (0.002%); highest among the groups gnomAD compares: African/African-American, 0.004%; no homozygotes.

Submissions (2):

Labcorp Genetics (formerly Invitae), Labcorp
Classification: Likely benign for Leukodystrophy, hypomyelinating, 6. Last evaluated: 2025-03-29. Review status: criteria provided, single submitter. Criteria: Invitae Variant Classification Sherloc (09022015). Collection method: clinical testing. Allele origin: germline.

GeneDx
Classification: Likely benign. Last evaluated: 2018-01-17. Review status: criteria provided, single submitter. Criteria: GeneDx Variant Classification (06012015). Collection method: clinical testing. Allele origin: germline. Affected: yes.
Comment: This variant is considered likely benign or benign based on one or more of the following criteria: it is a conservative change, it occurs at a poorly conserved position in the protein, it is predicted to be benign by multiple in silico algorithms, and/or has population frequency not consistent with disease.